The following is an entry in ClinVar:

ClinVar aggregate classification (germline): Uncertain significance (1 of 4 stars; one submission).

Submission:

GeneDx
Classification: Uncertain significance. Last evaluated: 2022-11-01. Review status: criteria provided, single submitter. Criteria: GeneDx Variant Classification Process June 2021. Collection method: clinical testing. Allele origin: germline. Affected: yes.
Comment: Not observed at significant frequency in large population cohorts (gnomAD); In silico analysis supports that this missense variant has a deleterious effect on protein structure/function; Has not been previously published as pathogenic or benign to our knowledge

NM_001372044.2(SHANK3):c.1037T>G (p.Phe346Cys)

Gene: SHANK3 (SH3 and multiple ankyrin repeat domains 3; plus strand). Cytogenetic location: 22q13.33.
Variant type: single nucleotide variant.
Coding change: c.1037T>G on transcript NM_001372044.2 (MANE Select); coding-DNA position 1037, T replaced by G.
Protein change: p.Phe346Cys; replaces phenylalanine 346 with cysteine.
Molecular consequence: missense variant.
Genome position (GRCh38, 1-based): chr22:50,679,355, T>G. VCF-style: chr22-50679355-T-G. GRCh37 (hg19) VCF-style: chr22-51117783-T-G.
Other names: c.812T>G, p.Phe271Cys (NM_033517.1); short protein forms F271C, F346C.
Identifiers: ClinVar variation 2500445 (VCV002500445.1), dbSNP rs2518375655, ClinGen allele CA515254401.